The following is an entry in ClinVar:

ClinVar aggregate classification (germline): Pathogenic (1 of 4 stars; one submission).

Conditions:
Primary ciliary dyskinesia. Also called: Ciliary dyskinesia. Identifiers: Orphanet 244, MedGen C0008780, MONDO:0016575, HP:0012265.

Submission:

Labcorp Genetics (formerly Invitae), Labcorp
Classification: Pathogenic for Primary ciliary dyskinesia. Last evaluated: 2023-06-14. Review status: criteria provided, single submitter. Criteria: Invitae Variant Classification Sherloc (09022015). Collection method: clinical testing. Allele origin: germline.
Comment: This sequence change creates a premature translational stop signal (p.Cys226Leufs*6) in the DNAH5 gene. It is expected to result in an absent or disrupted protein product. Loss-of-function variants in DNAH5 are known to be pathogenic (PMID: 11788826, 16627867). This variant is not present in population databases (gnomAD no frequency). This variant has not been reported in the literature in individuals affected with DNAH5-related conditions. For these reasons, this variant has been classified as Pathogenic.

Literature cited by the submitters: PubMed 11788826; PubMed 16627867.

NM_001369.3(DNAH5):c.677del (p.Cys226fs)

Gene: DNAH5 (dynein axonemal heavy chain 5; minus strand). Cytogenetic location: 5p15.2.
Variant type: Deletion.
Coding change: c.677del on transcript NM_001369.3 (MANE Select); coding-DNA position 677, one base deleted (G; older notation c.677delG).
Protein change: p.Cys226fs; shifts the reading frame from cysteine 226.
Molecular consequence: frameshift variant.
Genome position (GRCh38, 1-based): chr5:13,920,601, C deleted on the plus strand (G on the coding strand, the reverse complement: DNAH5 is on the minus strand). VCF-style (leftmost placement, unchanged base first): chr5-13920600-AC-A. GRCh37 (hg19) VCF-style: chr5-13920709-AC-A.
Other names: short protein forms C226fs.
Identifiers: ClinVar variation 2713092 (VCV002713092.3), dbSNP rs2547149457, ClinGen allele CA2697547100.
Genomic context (GRCh38, chr5:13,920,600, plus strand): 5'-GTTATTTGCTAGAGTCAAGTAGTCCGTAGGTTCCTTTAGGGTTTTCAGTTCAAGTATGTC[AC>A]ACTTTCGAAGGTTCACCTAATTAGAATGAAAATTAAATAATCAGATGATGCTTTTGTAAA-3'